The following is an entry in ClinVar:

ClinVar aggregate classification (germline): Uncertain significance (1 of 4 stars; one submission).

Conditions:
Juvenile polyposis syndrome (JPS). Identifiers: Orphanet 2929, MedGen C0345893, MONDO:0017380, OMIM 174900.

Allele frequency attached by ClinVar (database versions not stated): gnomAD exomes below 0.00001.
gnomAD v4.1: 1 of 1,611,882 alleles (0.000062%); highest among the groups gnomAD compares: Non-Finnish European, 0.000085%; no homozygotes.

Submission:

Labcorp Genetics (formerly Invitae), Labcorp
Classification: Uncertain significance for Juvenile polyposis syndrome. Last evaluated: 2020-11-25. Review status: criteria provided, single submitter. Criteria: Invitae Variant Classification Sherloc (09022015). Collection method: clinical testing. Allele origin: germline.
Comment: This sequence change replaces glycine with arginine at codon 12 of the BMPR1A protein (p.Gly12Arg). The glycine residue is moderately conserved and there is a moderate physicochemical difference between glycine and arginine. This variant is not present in population databases (ExAC no frequency). This variant has not been reported in the literature in individuals with BMPR1A-related conditions. Algorithms developed to predict the effect of missense changes on protein structure and function (SIFT, PolyPhen-2, Align-GVGD) all suggest that this variant is likely to be tolerated, but these predictions have not been confirmed by published functional studies and their clinical significance is uncertain. In summary, the available evidence is currently insufficient to determine the role of this variant in disease. Therefore, it has been classified as a Variant of Uncertain Significance.

NM_004329.3(BMPR1A):c.34G>A (p.Gly12Arg)

Gene: BMPR1A (bone morphogenetic protein receptor type 1A; plus strand). Cytogenetic location: 10q23.2.
Variant type: single nucleotide variant.
Coding change: c.34G>A on transcript NM_004329.3 (MANE Select); coding-DNA position 34, G replaced by A.
Protein change: p.Gly12Arg; replaces glycine 12 with arginine.
Molecular consequence: missense variant.
Genome position (GRCh38, 1-based): chr10:86,876,052, G>A. VCF-style: chr10-86876052-G-A. GRCh37 (hg19) VCF-style: chr10-88635809-G-A.
Other names: short protein forms G12R.
Identifiers: ClinVar variation 963064 (VCV000963064.10), dbSNP rs1842917526, ClinGen allele CA377774809.